The following is an entry in ClinVar:

NM_000138.5(FBN1):c.946C>T (p.Pro316Ser)

Gene: FBN1 (fibrillin 1; minus strand). Cytogenetic location: 15q21.1.
Variant type: single nucleotide variant.
Coding change: c.946C>T on transcript NM_000138.5 (MANE Select); coding-DNA position 946, C replaced by T.
Protein change: p.Pro316Ser; replaces proline 316 with serine.
Molecular consequence: missense variant.
Genome position (GRCh38, 1-based): chr15:48,526,172, G>A on the plus strand (C>T on the coding strand, the complement: FBN1 is on the minus strand). VCF-style: chr15-48526172-G-A. GRCh37 (hg19) VCF-style: chr15-48818369-G-A.
Other names: c.946C>T, p.Pro316Ser (NM_001406716.1); short protein forms P316S.
Identifiers: ClinVar variation 3069786 (VCV003069786.3), dbSNP rs756687172, ClinGen allele CA060383.

ClinVar aggregate classification (germline): Uncertain significance. Review status: criteria provided, multiple submitters, no conflicts (2 of 4 stars). 2 submissions from 2 submitters: Uncertain significance (2). Last evaluated 2025-12-13.

Conditions:
Marfan syndrome (MFS). Also called: MARFAN SYNDROME, TYPE I; Marfan syndrome type 1; Marfan's syndrome; Marfan syndrome, classic; FBN1-Related Marfan Syndrome. Identifiers: Orphanet 284963, Orphanet 558, MedGen C0024796, MONDO:0007947, OMIM 154700.
Familial thoracic aortic aneurysm and aortic dissection (TAAD). Also called: Thoracic aortic aneurysms and dissections. Identifiers: Orphanet 91387, MedGen C4707243, MONDO:0019625.

Allele frequency attached by ClinVar (database versions not stated): ExAC 0.00002.

Submissions (2):

Labcorp Genetics (formerly Invitae), Labcorp
Classification: Uncertain significance for Marfan syndrome; Familial thoracic aortic aneurysm and aortic dissection. Last evaluated: 2025-12-13. Review status: criteria provided, single submitter. Criteria: Invitae Variant Classification Sherloc (09022015). Collection method: clinical testing. Allele origin: germline.
Comment: This sequence change replaces proline, which is neutral and non-polar, with serine, which is neutral and polar, at codon 316 of the FBN1 protein (p.Pro316Ser). This variant is present in population databases (rs756687172, gnomAD 0.003%). This missense change has been observed in individual(s) with clinical features of FBN1-related conditions (internal data). ClinVar contains an entry for this variant (Variation ID: 3069786). Invitae Evidence Modeling of protein sequence and biophysical properties (such as structural, functional, and spatial information, amino acid conservation, physicochemical variation, residue mobility, and thermodynamic stability) indicates that this missense variant is expected to disrupt FBN1 protein function with a positive predictive value of 95%. In summary, the available evidence is currently insufficient to determine the role of this variant in disease. Therefore, it has been classified as a Variant of Uncertain Significance.

All of Us Research Program, National Institutes of Health
Classification: Uncertain significance for Marfan syndrome. Last evaluated: 2023-03-09. Review status: criteria provided, single submitter. Criteria: ACMG Guidelines, 2015. Collection method: clinical testing. Allele origin: germline. Inheritance: Autosomal dominant inheritance. Observed: 1 variant allele, 1 heterozygote.
Comment: This missense variant replaces proline with serine at codon 316 of the FBN1 protein. Computational prediction is inconclusive regarding the impact of this variant on protein structure and function (internally defined REVEL score threshold 0.5 < inconclusive < 0.7, PMID: 27666373). To our knowledge, functional studies have not been reported for this variant. This variant has not been reported in individuals affected with FBN1-related disorders in the literature. This variant has been identified in 3/251424 chromosomes in the general population by the Genome Aggregation Database (gnomAD). The available evidence is insufficient to determine the role of this variant in disease conclusively. Therefore, this variant is classified as a Variant of Uncertain Significance.

This study involves interpretation of variants in research participants for the purpose of population health screening. Participant phenotype was not available at the time of variant classification. Additional details can be found in publication PMID: 35346344, PMCID: PMC8962531